The following is an entry in ClinVar:

ClinVar aggregate classification (germline): Uncertain significance. Review status: criteria provided, multiple submitters, no conflicts (2 of 4 stars). 2 submissions from 2 submitters: Uncertain significance (2). Last evaluated 2025-08-20.

Conditions:
Emery-Dreifuss muscular dystrophy 5, autosomal dominant (EDMD5). Also called: EMERY-DREIFUSS MUSCULAR DYSTROPHY 5. Identifiers: Orphanet 261, MedGen C2751805, MONDO:0013072, OMIM 612999.

Allele frequency attached by ClinVar (database versions not stated): ExAC 0.00003; gnomAD exomes 0.00003; gnomAD 0.00013 and 0.00015; TOPMed 0.00018; 1000 Genomes Project 30x 0.00031; 1000 Genomes Project 0.00040.
gnomAD v4.1: 45 of 1,575,032 alleles (0.0029%); highest among the groups gnomAD compares: African/African-American, 0.057%; no homozygotes.

Submissions (2):

Ambry Genetics
Classification: Uncertain significance. Last evaluated: 2025-08-20. Review status: criteria provided, single submitter. Criteria: Ambry Variant Classification Scheme 2023. Collection method: clinical testing. Allele origin: germline.

Labcorp Genetics (formerly Invitae), Labcorp
Classification: Uncertain significance for Emery-Dreifuss muscular dystrophy 5, autosomal dominant. Last evaluated: 2024-05-02. Review status: criteria provided, single submitter. Criteria: Invitae Variant Classification Sherloc (09022015). Collection method: clinical testing. Allele origin: germline.
Comment: This sequence change replaces aspartic acid, which is acidic and polar, with tyrosine, which is neutral and polar, at codon 943 of the SYNE2 protein (p.Asp943Tyr). This variant is present in population databases (rs543556397, gnomAD 0.06%), and has an allele count higher than expected for a pathogenic variant. This variant has not been reported in the literature in individuals affected with SYNE2-related conditions. ClinVar contains an entry for this variant (Variation ID: 538347). An algorithm developed to predict the effect of missense changes on protein structure and function (PolyPhen-2) suggests that this variant is likely to be disruptive. In summary, the available evidence is currently insufficient to determine the role of this variant in disease. Therefore, it has been classified as a Variant of Uncertain Significance.

NM_182914.3(SYNE2):c.2827G>T (p.Asp943Tyr)

Gene: SYNE2 (spectrin repeat containing nuclear envelope protein 2; plus strand). Cytogenetic location: 14q23.2.
Variant type: single nucleotide variant.
Coding change: c.2827G>T on transcript NM_182914.3 (MANE Select); coding-DNA position 2827, G replaced by T.
Protein change: p.Asp943Tyr; replaces aspartic acid 943 with tyrosine.
Molecular consequence: missense variant.
Genome position (GRCh38, 1-based): chr14:63,995,089, G>T. VCF-style: chr14-63995089-G-T. GRCh37 (hg19) VCF-style: chr14-64461807-G-T.
Other names: c.2827G>T, p.Asp943Tyr (NM_015180.6); short protein forms D943Y.
Identifiers: ClinVar variation 538347 (VCV000538347.10), dbSNP rs543556397, ClinGen allele CA7219808.